The following is an entry in ClinVar:

ClinVar aggregate classification (germline): Uncertain significance (1 of 4 stars; one submission).

Conditions:
Hereditary cancer-predisposing syndrome. Also called: Hereditary neoplastic syndrome; Neoplastic Syndromes, Hereditary; Tumor predisposition; Hereditary Cancer Syndrome. Identifiers: Orphanet 140162, MedGen C0027672, MeSH D009386, MONDO:0015356.

Submission:

Ambry Genetics
Classification: Uncertain significance for Hereditary cancer-predisposing syndrome. Last evaluated: 2025-09-12. Review status: criteria provided, single submitter. Criteria: Ambry Variant Classification Scheme 2023. Collection method: clinical testing. Allele origin: germline.
Comment: The c.3123-2A>G intronic variant results from an A to G substitution two nucleotides upstream from coding exon 22 in the PDGFRA gene. This nucleotide position is highly conserved in available vertebrate species. In silico splice site analysis predicts that this alteration will weaken the native splice acceptor site and will result in the creation or strengthening of a novel splice acceptor site. Alterations that disrupt the canonical splice site are expected to cause aberrant splicing, resulting in an abnormal protein or a transcript that is subject to nonsense-mediated mRNA decay. However, loss of function has not been established as a mechanism of disease. Based on the available evidence, the clinical significance of this alteration remains unclear.

NM_006206.6(PDGFRA):c.3123-2A>G

Gene: PDGFRA (platelet derived growth factor receptor alpha; plus strand). Cytogenetic location: 4q12.
Variant type: single nucleotide variant.
Coding change: c.3123-2A>G on transcript NM_006206.6 (MANE Select); the canonical splice acceptor site of the intron before coding-DNA position 3123, A replaced by G.
Molecular consequence: splice acceptor variant.
Genome position (GRCh38, 1-based): chr4:54,295,123, A>G. VCF-style: chr4-54295123-A-G. GRCh37 (hg19) VCF-style: chr4-55161290-A-G.
Other names: c.3198-2A>G (NM_001347828.2); c.3123-2A>G (NM_001347829.2); c.3162-2A>G (NM_001347830.2).
Identifiers: ClinVar variation 4134013 (VCV004134013.1).